The following is an entry in ClinVar:

NM_001447.3(FAT2):c.11584G>A (p.Ala3862Thr)

Genes: FAT2 (FAT atypical cadherin 2; minus strand), SLC36A1 (solute carrier family 36 member 1; plus strand). Cytogenetic location: 5q33.1.
Variant type: single nucleotide variant.
Coding change: c.11584G>A on transcript NM_001447.3 (MANE Select); coding-DNA position 11584, G replaced by A.
Protein change: p.Ala3862Thr; replaces alanine 3862 with threonine.
Molecular consequence: missense variant.
Genome position (GRCh38, 1-based): chr5:151,512,486, C>T on the plus strand (G>A on the coding strand, the complement: FAT2 is on the minus strand). VCF-style: chr5-151512486-C-T. GRCh37 (hg19) VCF-style: chr5-150892047-C-T.
Other names: short protein forms A3862T.
Identifiers: ClinVar variation 3001075 (VCV003001075.3), dbSNP rs747251482, ClinGen allele CA3519972.

ClinVar aggregate classification (germline): Uncertain significance (1 of 4 stars; one submission).

Allele frequency attached by ClinVar (database versions not stated): TOPMed below 0.00001; ExAC 0.00002.
gnomAD v4.1: 6 of 1,614,206 alleles (0.00037%); highest among the groups gnomAD compares: African/African-American, 0.0013%; no homozygotes.

Submission:

Labcorp Genetics (formerly Invitae), Labcorp
Classification: Uncertain significance. Last evaluated: 2024-06-12. Review status: criteria provided, single submitter. Criteria: Invitae Variant Classification Sherloc (09022015). Collection method: clinical testing. Allele origin: germline.
Comment: This sequence change replaces alanine, which is neutral and non-polar, with threonine, which is neutral and polar, at codon 3862 of the FAT2 protein (p.Ala3862Thr). This variant is present in population databases (rs747251482, gnomAD 0.007%). This variant has not been reported in the literature in individuals affected with FAT2-related conditions. Algorithms developed to predict the effect of missense changes on protein structure and function output the following: SIFT: "Not Available"; PolyPhen-2: "Benign"; Align-GVGD: "Not Available". The threonine amino acid residue is found in multiple mammalian species, which suggests that this missense change does not adversely affect protein function. In summary, the available evidence is currently insufficient to determine the role of this variant in disease. Therefore, it has been classified as a Variant of Uncertain Significance.